The following is an entry in ClinVar:

ClinVar aggregate classification (germline): Likely pathogenic. Review status: criteria provided, multiple submitters, no conflicts (2 of 4 stars). 2 submissions from 2 submitters: Likely pathogenic (2). Last evaluated 2024-01-03.

Conditions:
Cardiovascular phenotype. Identifiers: MedGen CN230736.
Dilated cardiomyopathy 1G (CMD1G). Identifiers: Orphanet 154, MedGen C1858763, MONDO:0011400, OMIM 604145.
Autosomal recessive limb-girdle muscular dystrophy type 2J (LGMDR10). Also called: Limb-girdle muscular dystrophy, type 2J; MUSCULAR DYSTROPHY, LIMB-GIRDLE, AUTOSOMAL RECESSIVE 10. Identifiers: Orphanet 140922, MedGen C1837342, MONDO:0012127, OMIM 608807.

Submissions (2):

Ambry Genetics
Classification: Likely pathogenic for Cardiovascular phenotype. Last evaluated: 2024-01-03. Review status: criteria provided, single submitter. Criteria: Ambry Variant Classification Scheme 2023. Collection method: clinical testing. Allele origin: germline.
Comment: The p.Q20628* variant (also known as c.61882C>T), located in coding exon 160 of the TTN gene, results from a C to T substitution at nucleotide position 61882. This changes the amino acid from a glutamine to a stop codon within coding exon 160. This exon is located in the A-band region of the N2-B isoform of the titin protein and is constitutively expressed in TTN transcripts (percent spliced in or PSI 100%). This variant is considered to be rare based on population cohorts in the Genome Aggregation Database (gnomAD). This alteration is expected to result in loss of function by premature protein truncation or nonsense-mediated mRNA decay. While truncating variants in TTN are present in 1-3% of the general population, truncating variants in the A-band are the most common cause of dilated cardiomyopathy (DCM) (Herman DS et al. N. Engl. J. Med., 2012 Feb;366:619-28; Roberts AM et al. Sci Transl Med, 2015 Jan;7:270ra6). TTN truncating variants encoded in constitutive exons (PSI >90%) have been found to be significantly associated with DCM regardless of their position in titin (Schafer S et al. Nat. Genet., 2017 01;49:46-53). Based on the majority of available evidence to date, this variant is likely to be pathogenic.

Labcorp Genetics (formerly Invitae), Labcorp
Classification: Likely pathogenic for Dilated cardiomyopathy 1G; Autosomal recessive limb-girdle muscular dystrophy type 2J. Last evaluated: 2023-04-26. Review status: criteria provided, single submitter. Criteria: Invitae Variant Classification Sherloc (09022015). Collection method: clinical testing. Allele origin: germline.
Comment: This variant has not been reported in the literature in individuals affected with TTN-related conditions. This variant is not present in population databases (gnomAD no frequency). This sequence change creates a premature translational stop signal (p.Gln29693*) in the TTN gene. While this is not anticipated to result in nonsense mediated decay, it is expected to create a truncated TTN protein. This variant is located in the A band of TTN (PMID: 25589632). Truncating variants in this region are significantly overrepresented in patients affected with dilated cardiomyopathy (PMID: 25589632). Truncating variants in this region have also been reported in individuals affected with autosomal recessive centronuclear myopathy (PMID: 23975875). In summary, the currently available evidence indicates that the variant is pathogenic, but additional data are needed to prove that conclusively. Therefore, this variant has been classified as Likely Pathogenic.

Literature cited by the submitters: PubMed 25589632 (cited by Labcorp Genetics (formerly Invitae), Labcorp); PubMed 23975875 (cited by Labcorp Genetics (formerly Invitae), Labcorp).

NM_001267550.2(TTN):c.89077C>T (p.Gln29693Ter)

Genes: TTN-AS1 (TTN antisense RNA 1; plus strand), TTN (titin; minus strand). Cytogenetic location: 2q31.2.
Variant type: single nucleotide variant.
Coding change: c.89077C>T on transcript NM_001267550.2 (MANE Select); coding-DNA position 89077, C replaced by T.
Protein change: p.Gln29693Ter; replaces glutamine 29693 with a stop codon.
Molecular consequence: nonsense.
Genome position (GRCh38, 1-based): chr2:178,554,034, G>A on the plus strand (C>T on the coding strand, the complement: TTN is on the minus strand). VCF-style: chr2-178554034-G-A. GRCh37 (hg19) VCF-style: chr2-179418761-G-A.
Other names: c.84154C>T, p.Gln28052Ter (NM_001256850.1); c.61882C>T, p.Gln20628Ter (NM_003319.4); c.81373C>T, p.Gln27125Ter (NM_133378.4); c.62257C>T, p.Gln20753Ter (NM_133432.3); c.62458C>T, p.Gln20820Ter (NM_133437.4); short protein forms Q20820*, Q27125*, Q29693*, Q28052*, Q20628*, Q20753*.
Identifiers: ClinVar variation 2923744 (VCV002923744.4), dbSNP rs2469351716, ClinGen allele CA349521162.
Genomic context (GRCh38, chr2:178,554,034, plus strand): 5'-CGTTTACAGCACAAACTCTGTATTGATAGTCACTGTTTTCTGTGAGTCCTGTTACTTTTT[G>A]TCTGGTGTCACGGATAGTCTCTTTTAGTACTTTAAACCATCCTAGGCTCTTCTTGTCTCG-3'